The following is an entry in ClinVar:

ClinVar aggregate classification (germline): Uncertain significance (1 of 4 stars; one submission).

Submission:

Mayo Clinic Laboratories, Mayo Clinic
Classification: Uncertain significance. Last evaluated: 2025-08-19. Review status: criteria provided, single submitter. Criteria: ACMG Guidelines, 2015. Collection method: clinical testing. Allele origin: germline. Observed: 1 variant allele.
Comment: BP4_moderate, PM2_supporting

NM_032730.5(RTN4IP1):c.23T>C (p.Val8Ala)

Gene: RTN4IP1 (reticulon 4 interacting protein 1; minus strand). Cytogenetic location: 6q21.
Variant type: single nucleotide variant.
Coding change: c.23T>C on transcript NM_032730.5 (MANE Select); coding-DNA position 23, T replaced by C.
Protein change: p.Val8Ala; replaces valine 8 with alanine.
Molecular consequence: missense variant. On other transcripts: intron variant (1).
Genome position (GRCh38, 1-based): chr6:106,628,999, A>G on the plus strand (T>C on the coding strand, the complement: RTN4IP1 is on the minus strand). VCF-style: chr6-106628999-A-G. GRCh37 (hg19) VCF-style: chr6-107076874-A-G.
Other names: p.Val8Ala; c.-27+1328T>C (NM_001318746.1); short protein forms V8A.
Identifiers: ClinVar variation 4541196 (VCV004541196.1).